The following is an entry in ClinVar:

NM_000548.5(TSC2):c.4974G>C (p.Lys1658Asn)

Gene: TSC2 (TSC complex subunit 2; plus strand). Cytogenetic location: 16p13.3.
Variant type: single nucleotide variant.
Coding change: c.4974G>C on transcript NM_000548.5 (MANE Select); coding-DNA position 4974, G replaced by C.
Protein change: p.Lys1658Asn; replaces lysine 1658 with asparagine.
Molecular consequence: missense variant.
Genome position (GRCh38, 1-based): chr16:2,086,856, G>C. VCF-style: chr16-2086856-G-C. GRCh37 (hg19) VCF-style: chr16-2136857-G-C.
Other names: c.4773G>C, p.Lys1591Asn (NM_001077183.3); c.4905G>C, p.Lys1635Asn (NM_001114382.3); c.4665G>C, p.Lys1555Asn (NM_001318827.2); c.4629G>C, p.Lys1543Asn (NM_001318829.2); c.4242G>C, p.Lys1414Asn (NM_001318831.2); c.4806G>C, p.Lys1602Asn (NM_001318832.2); c.4776G>C, p.Lys1592Asn (NM_001363528.2); c.4842G>C, p.Lys1614Asn (NM_001370404.1); and 1 more; short protein forms K1555N, K1591N, K1592N, K1635N, K1602N, K1658N, K1414N, K1543N.
Identifiers: ClinVar variation 1475462 (VCV001475462.8), dbSNP rs45511393, ClinGen allele CA394309133.

ClinVar aggregate classification (germline): Uncertain significance (1 of 4 stars; one submission).

Conditions:
Tuberous sclerosis 2 (TSC2). Identifiers: Orphanet 805, MedGen C1860707, MONDO:0013199, OMIM 613254.

Submission:

Labcorp Genetics (formerly Invitae), Labcorp
Classification: Uncertain significance for Tuberous sclerosis 2. Last evaluated: 2025-09-30. Review status: criteria provided, single submitter. Criteria: Invitae Variant Classification Sherloc (09022015). Collection method: clinical testing. Allele origin: germline.
Comment: This sequence change replaces lysine, which is basic and polar, with asparagine, which is neutral and polar, at codon 1658 of the TSC2 protein (p.Lys1658Asn). This variant is not present in population databases (gnomAD no frequency). This variant has not been reported in the literature in individuals affected with TSC2-related conditions. ClinVar contains an entry for this variant (Variation ID: 1475462). Invitae Evidence Modeling of protein sequence and biophysical properties (such as structural, functional, and spatial information, amino acid conservation, physicochemical variation, residue mobility, and thermodynamic stability) indicates that this missense variant is not expected to disrupt TSC2 protein function with a negative predictive value of 95%. In summary, the available evidence is currently insufficient to determine the role of this variant in disease. Therefore, it has been classified as a Variant of Uncertain Significance.